The following is an entry in ClinVar:

NM_001042492.3(NF1):c.4749A>G (p.Glu1583=)

Gene: NF1 (neurofibromin 1; plus strand). Cytogenetic location: 17q11.2.
Variant type: single nucleotide variant.
Coding change: c.4749A>G on transcript NM_001042492.3 (MANE Select); coding-DNA position 4749, A replaced by G.
Protein change: p.Glu1583=; no amino-acid change (glutamic acid 1583 retained).
Molecular consequence: synonymous variant.
Genome position (GRCh38, 1-based): chr17:31,265,253, A>G. VCF-style: chr17-31265253-A-G. GRCh37 (hg19) VCF-style: chr17-29592271-A-G.
Other names: c.4686A>G, p.Glu1562= (NM_000267.4).
Identifiers: ClinVar variation 184594 (VCV000184594.51), dbSNP rs144091165, ClinGen allele CA189401.

ClinVar aggregate classification (germline): Conflicting classifications of pathogenicity. Review status: criteria provided, conflicting classifications (1 of 4 stars). 15 submissions from 12 submitters: Uncertain significance (3); Benign (3); Likely benign (9). Last evaluated 2026-07-01.

Conditions:
Hereditary cancer-predisposing syndrome. Also called: Tumor predisposition; Neoplastic Syndromes, Hereditary; Hereditary Cancer Syndrome; Hereditary neoplastic syndrome. Identifiers: Orphanet 140162, MedGen C0027672, MeSH D009386, MONDO:0015356.
Café-au-lait macules with pulmonary stenosis (WTSN). Also called: PULMONIC STENOSIS WITH CAFE-AU-LAIT SPOTS. Identifiers: MedGen C0553586, MONDO:0008672, OMIM 193520.
Neurofibromatosis-Noonan syndrome (NFNS). Also called: NEUROFIBROMATOSIS WITH NOONAN PHENOTYPE. Identifiers: Orphanet 638, MedGen C2931482, MONDO:0011035, OMIM 601321. Disease mechanism: loss of function.
Neurofibromatosis, familial spinal (FSNF). Identifiers: Orphanet 636, MedGen C1834235, MONDO:0008078, OMIM 162210. Disease mechanism: loss of function.
Neurofibromatosis, type 1 (NF1). Also called: Peripheral type neurofibromatosis; Neurofibromatosis, type I; NEUROFIBROMATOSIS, TYPE I, SOMATIC; VON RECKLINGHAUSEN DISEASE. Identifiers: Orphanet 636, MedGen C0027831, MONDO:0018975, OMIM 162200. Disease mechanism: loss of function.

Allele frequency attached by ClinVar (database versions not stated): gnomAD exomes 0.00023; 1000 Genomes Project 30x 0.00016; gnomAD 0.00018 and 0.00019; 1000 Genomes Project 0.00020; TOPMed 0.00020; ExAC 0.00022.
gnomAD v4.1: 360 of 1,613,306 alleles (0.022%); highest among the groups gnomAD compares: Admixed American, 0.045%; 2 homozygotes.

Submissions (15):

CeGaT Center for Human Genetics Tuebingen
Classification: Likely benign. Last evaluated: 2026-07-01. Review status: criteria provided, single submitter. Criteria: CeGaT Center For Human Genetics Tuebingen Variant Classification Criteria Version 2. Collection method: clinical testing. Allele origin: germline. Affected: yes. Observed: 4 variant alleles.
Comment: NF1: BP4, BP7

Myriad Genetics, Inc.
Classification: Benign for Neurofibromatosis, type 1. Last evaluated: 2026-05-19. Review status: criteria provided, single submitter. Criteria: Myriad Autosomal Dominant, Autosomal Recessive and X-Linked Classification Criteria (2023). Collection method: clinical testing. Allele origin: unknown.
Comment: This variant is considered benign. This variant is a silent/synonymous amino acid change and it is not expected to impact splicing.

Labcorp Genetics (formerly Invitae), Labcorp
Classification: Likely benign for Neurofibromatosis, type 1. Last evaluated: 2026-01-28. Review status: criteria provided, single submitter. Criteria: Invitae Variant Classification Sherloc (09022015). Collection method: clinical testing. Allele origin: germline.

Institute for Biomarker Research, Medical Diagnostic Laboratories, L.L.C.
Classification: Benign for Hereditary cancer-predisposing syndrome. Last evaluated: 2024-11-20. Review status: criteria provided, single submitter. Criteria: ACMG Guidelines, 2015. Collection method: clinical testing. Allele origin: germline.
Comment: The synonymous variant NM_000267.3(NF1):c.4686A>G (p.Glu1562=) has not been reported previously as a pathogenic variant, to our knowledge. The variant is observed in one or more well-documented healthy adults. The p.Glu1562= variant is not predicted to disrupt an existing splice site. The p.Glu1562= variant results in a substitution of a base that is not predicted conserved by GERP++ and PhyloP. For these reasons, this variant has been classified as Likely Benign.

Blueprint Genetics
Classification: Likely benign. Last evaluated: 2024-08-30. Review status: criteria provided, single submitter. Criteria: ACMG Guidelines, 2015. Collection method: clinical testing. Allele origin: germline.

GeneDx
Classification: Likely benign. Last evaluated: 2021-10-26. Review status: criteria provided, single submitter. Criteria: GeneDx Variant Classification Process June 2021. Collection method: clinical testing. Allele origin: germline. Affected: yes.
Comment: This variant is associated with the following publications: (PMID: 21354044)

Sema4
Classification: Likely benign for Hereditary cancer-predisposing syndrome. Last evaluated: 2021-03-01. Review status: criteria provided, single submitter. Criteria: Sema4 Curation Guidelines. Collection method: curation. Allele origin: germline.

Women's Health and Genetics/Laboratory Corporation of America, LabCorp
Classification: Benign. Last evaluated: 2019-12-07. Review status: criteria provided, single submitter. Criteria: LabCorp Variant Classification Summary - May 2015. Collection method: clinical testing. Allele origin: germline.

Illumina Laboratory Services, Illumina
Classification: Uncertain significance for Neurofibromatosis, familial spinal. Last evaluated: 2018-01-12. Review status: criteria provided, single submitter. Criteria: ICSL Variant Classification Criteria 13 December 2019. Collection method: clinical testing. Allele origin: germline.

Illumina Laboratory Services, Illumina
Classification: Uncertain significance for Neurofibromatosis, type 1. Last evaluated: 2018-01-12. Review status: criteria provided, single submitter. Criteria: ICSL Variant Classification Criteria 13 December 2019. Collection method: clinical testing. Allele origin: germline.

Illumina Laboratory Services, Illumina
Classification: Uncertain significance for Café-au-lait macules with pulmonary stenosis. Last evaluated: 2018-01-12. Review status: criteria provided, single submitter. Criteria: ICSL Variant Classification Criteria 13 December 2019. Collection method: clinical testing. Allele origin: germline.

Illumina Laboratory Services, Illumina
Classification: Likely benign for Neurofibromatosis-Noonan syndrome. Last evaluated: 2018-01-12. Review status: criteria provided, single submitter. Criteria: ICSL Variant Classification Criteria 13 December 2019. Collection method: clinical testing. Allele origin: germline.
Comment: This variant was observed in the ICSL laboratory as part of a predisposition screen in an ostensibly healthy population. It had not been previously curated by ICSL or reported in the Human Gene Mutation Database (HGMD: prior to June 1st, 2018), and was therefore a candidate for classification through an automated scoring system. Utilizing variant allele frequency, disease prevalence and penetrance estimates, and inheritance mode, an automated score was calculated to assess if this variant is too frequent to cause the disease. Based on the score and internal cut-off values, a variant classified as likely benign is not then subjected to further curation. The score for this variant resulted in a classification of likely benign for this disease.

PreventionGenetics, part of Exact Sciences
Classification: Likely benign. Last evaluated: 2017-10-20. Review status: criteria provided, single submitter. Criteria: ACMG Guidelines, 2015. Collection method: clinical testing. Allele origin: germline.

Genetic Services Laboratory, University of Chicago
Classification: Likely benign. Last evaluated: 2017-08-23. Review status: criteria provided, single submitter. Criteria: ACMG Guidelines, 2015. Collection method: clinical testing. Allele origin: germline. Affected: no.

Ambry Genetics
Classification: Likely benign for Hereditary cancer-predisposing syndrome. Last evaluated: 2014-10-09. Review status: criteria provided, single submitter. Criteria: Ambry Autosomal Dominant and X-Linked criteria (10/2015). Collection method: clinical testing. Allele origin: germline. Observed: 1 variant allele.

Literature cited by the submitters: PubMed 10678181 (cited by Women's Health and Genetics/Laboratory Corporation of America, LabCorp); PubMed 23460398 (cited by Women's Health and Genetics/Laboratory Corporation of America, LabCorp); PubMed 29872168 (cited by Women's Health and Genetics/Laboratory Corporation of America, LabCorp); PubMed 27069254 (cited by Women's Health and Genetics/Laboratory Corporation of America, LabCorp).